The following is an entry in ClinVar:

ClinVar aggregate classification (germline): Uncertain significance (1 of 4 stars; one submission).

Conditions:
Myofibrillar myopathy 4. Also called: Zaspopathy (type). Identifiers: Orphanet 98912, MedGen C4721886, MONDO:0012277, OMIM 609452.

Submission:

Labcorp Genetics (formerly Invitae), Labcorp
Classification: Uncertain significance for Myofibrillar myopathy 4. Last evaluated: 2024-05-20. Review status: criteria provided, single submitter. Criteria: Invitae Variant Classification Sherloc (09022015). Collection method: clinical testing. Allele origin: germline.
Comment: The LDB3 gene has multiple clinically relevant transcripts. This variant occurs in alternate transcript NM_007078.3, and corresponds to NM_001080116.1:c.*7192A>C in the primary transcript. This sequence change replaces glutamine, which is neutral and polar, with proline, which is neutral and non-polar, at codon 311 of the LDB3 protein (p.Gln311Pro). This variant is not present in population databases (gnomAD no frequency). This variant has not been reported in the literature in individuals affected with LDB3-related conditions. Experimental studies and prediction algorithms are not available or were not evaluated, and the functional significance of this variant is currently unknown. In summary, the available evidence is currently insufficient to determine the role of this variant in disease. Therefore, it has been classified as a Variant of Uncertain Significance.

NM_007078.3(LDB3):c.932A>C (p.Gln311Pro)

Gene: LDB3 (LIM domain binding 3; plus strand). Cytogenetic location: 10q23.2.
Variant type: single nucleotide variant.
Coding change: c.932A>C on transcript NM_007078.3 (MANE Select); coding-DNA position 932, A replaced by C.
Protein change: p.Gln311Pro; replaces glutamine 311 with proline.
Molecular consequence: missense variant. On other transcripts: intron variant (4).
Genome position (GRCh38, 1-based): chr10:86,706,566, A>C. VCF-style: chr10-86706566-A-C. GRCh37 (hg19) VCF-style: chr10-88466323-A-C.
Other names: c.791A>C, p.Gln264Pro (NM_001368066.1); c.897-3339A>C (NM_001368064.1, NM_001368065.1); c.1101-3339A>C (NM_001171610.2); c.756-3339A>C (NM_001080114.2); short protein forms Q264P, Q311P.
Identifiers: ClinVar variation 2851031 (VCV002851031.3), dbSNP rs2492760936, ClinGen allele CA377446570.